The following is an entry in ClinVar:

ClinVar aggregate classification (germline): Uncertain significance. Review status: criteria provided, multiple submitters, no conflicts (2 of 4 stars). 7 submissions from 7 submitters: Uncertain significance (7). Last evaluated 2026-01-31.

Conditions:
Aortic aneurysm, familial thoracic 4 (AAT4). Also called: AORTIC ANEURYSM/AORTIC DISSECTION AND PATENT DUCTUS ARTERIOSUS. Identifiers: MedGen C1851504, MONDO:0007568, OMIM 132900.
Familial thoracic aortic aneurysm and aortic dissection (TAAD). Also called: Thoracic aortic aneurysms and dissections. Identifiers: Orphanet 91387, MedGen C4707243, MONDO:0019625.

Allele frequency attached by ClinVar (database versions not stated): gnomAD 0.00002 and 0.00001; gnomAD exomes below 0.00001 and 0.00001; TOPMed 0.00002; 1000 Genomes Project 0.00020; ExAC 0.00001; 1000 Genomes Project 30x 0.00016.
gnomAD v4.1: 6 of 1,613,468 alleles (0.00037%); highest among the groups gnomAD compares: African/African-American, 0.0053%; no homozygotes.

Submissions (7):

Labcorp Genetics (formerly Invitae), Labcorp
Classification: Uncertain significance for Aortic aneurysm, familial thoracic 4. Last evaluated: 2026-01-31. Review status: criteria provided, single submitter. Criteria: Invitae Variant Classification Sherloc (09022015). Collection method: clinical testing. Allele origin: germline.
Comment: This sequence change replaces glutamine, which is neutral and polar, with arginine, which is basic and polar, at codon 1604 of the MYH11 protein (p.Gln1604Arg). This variant is present in population databases (rs534983279, gnomAD 0.007%). This variant has not been reported in the literature in individuals affected with MYH11-related conditions. ClinVar contains an entry for this variant (Variation ID: 318109). An algorithm developed to predict the effect of missense changes on protein structure and function (PolyPhen-2) suggests that this variant is likely to be disruptive. In summary, the available evidence is currently insufficient to determine the role of this variant in disease. Therefore, it has been classified as a Variant of Uncertain Significance.

Ambry Genetics
Classification: Uncertain significance for Familial thoracic aortic aneurysm and aortic dissection. Last evaluated: 2026-01-20. Review status: criteria provided, single submitter. Criteria: Ambry Variant Classification Scheme 2023. Collection method: clinical testing. Allele origin: germline.
Comment: The c.4790A>G (p.Q1597R) alteration is located in exon 33 (coding exon 32) of the MYH11 gene. This alteration results from a A to G substitution at nucleotide position 4790, causing the glutamine (Q) at amino acid position 1597 to be replaced by an arginine (R). Based on data from gnomAD, the G allele has an overall frequency of 0.001% (2/251098) total alleles studied. The highest observed frequency was 0.006% (1/16256) of African alleles. Based on insufficient or conflicting evidence, the clinical significance of this alteration remains unclear.

Color Diagnostics, LLC DBA Color Health
Classification: Uncertain significance for Familial thoracic aortic aneurysm and aortic dissection. Last evaluated: 2024-04-17. Review status: criteria provided, single submitter. Criteria: ACMG Guidelines, 2015. Collection method: clinical testing. Allele origin: germline.
Comment: This missense variant replaces glutamine with arginine at codon 1604 of the MYH11 protein. Computational prediction suggests that this variant may have deleterious impact on protein structure and function. To our knowledge, functional studies have not been reported for this variant. This variant has not been reported in individuals affected with MYH11-related disorders in the literature. This variant has been identified in 2/251098 chromosomes in the general population by the Genome Aggregation Database (gnomAD). The available evidence is insufficient to determine the role of this variant in disease conclusively. Therefore, this variant is classified as a Variant of Uncertain Significance.

GeneDx
Classification: Uncertain significance. Last evaluated: 2021-06-11. Review status: criteria provided, single submitter. Criteria: GeneDx Variant Classification Process June 2021. Collection method: clinical testing. Allele origin: germline. Affected: yes.
Comment: Has not been previously published as pathogenic or benign to our knowledge; Not observed at significant frequency in large population cohorts (Lek et al., 2016); In silico analysis supports that this missense variant has a deleterious effect on protein structure/function; Reported in ClinVar as a variant of uncertain significance (ClinVar Variant ID# 318109; Landrum et al., 2016); This variant is associated with the following publications: (PMID: 27535533, 26582918)

Fulgent Genetics
Classification: Uncertain significance for Aortic aneurysm, familial thoracic 4. Last evaluated: 2018-10-31. Review status: criteria provided, single submitter. Criteria: ACMG Guidelines, 2015. Collection method: clinical testing. Allele origin: unknown.

Illumina Laboratory Services, Illumina
Classification: Uncertain significance for Aortic aneurysm, familial thoracic 4. Last evaluated: 2018-01-13. Review status: criteria provided, single submitter. Criteria: ICSL Variant Classification Criteria 13 December 2019. Collection method: clinical testing. Allele origin: germline.

ARUP Laboratories, Molecular Genetics and Genomics, ARUP Laboratories
Classification: Uncertain significance. Last evaluated: 2016-10-31. Review status: criteria provided, single submitter. Criteria: ARUP Molecular Germline Variant Investigation Process. Collection method: clinical testing. Allele origin: germline.

NM_002474.3(MYH11):c.4790A>G (p.Gln1597Arg)

Genes: MYH11 (myosin heavy chain 11; minus strand), NDE1 (nudE neurodevelopment protein 1; plus strand). Cytogenetic location: 16p13.11.
Variant type: single nucleotide variant.
Coding change: c.4790A>G on transcript NM_002474.3 (MANE Select); coding-DNA position 4790, A replaced by G.
Protein change: p.Gln1597Arg; replaces glutamine 1597 with arginine.
Molecular consequence: missense variant. On other transcripts: intron variant (2).
Genome position (GRCh38, 1-based): chr16:15,720,840, T>C on the plus strand (A>G on the coding strand, the complement: MYH11 is on the minus strand). VCF-style: chr16-15720840-T-C. GRCh37 (hg19) VCF-style: chr16-15814697-T-C.
Other names: c.4811A>G, p.Gln1604Arg (NM_001040113.2, NM_001040114.2); c.4790A>G, p.Gln1597Arg (NM_022844.3); c.948-3351T>C (NM_001143979.2, NM_017668.3); short protein forms Q1597R, Q1604R.
Identifiers: ClinVar variation 318109 (VCV000318109.23), dbSNP rs534983279, ClinGen allele CA7921566.
Genomic context (GRCh38, chr16:15,720,840, plus strand): 5'-TGATAGGAATGAAAAAGGCCACCCGACCTCCCTCTGCTGGCCTCCCCGGCAGCACGCACC[T>C]GTCTCTGCAGTTGCCTCCTCTTCTCCTCATTCTGCTCGTCCCGGGCTTGGAGATCCCTTT-3'
Protein context (NP_002465.1, residues 1587-1607): NEEKRRQLQR[Gln1597Arg]LHEYETELED